The following is an entry in ClinVar:

ClinVar aggregate classification (germline): Uncertain significance (1 of 4 stars; one submission).

Conditions:
Hereditary cancer-predisposing syndrome. Also called: Neoplastic Syndromes, Hereditary; Tumor predisposition; Hereditary Cancer Syndrome; Hereditary neoplastic syndrome. Identifiers: Orphanet 140162, MedGen C0027672, MeSH D009386, MONDO:0015356.

Submission:

Ambry Genetics
Classification: Uncertain significance for Hereditary cancer-predisposing syndrome. Last evaluated: 2026-03-03. Review status: criteria provided, single submitter. Criteria: Ambry Variant Classification Scheme 2023. Collection method: clinical testing. Allele origin: germline.
Comment: The p.Y289H variant (also known as c.865T>C), located in coding exon 2 of the AXIN2 gene, results from a T to C substitution at nucleotide position 865. The tyrosine at codon 289 is replaced by histidine, an amino acid with similar properties. This amino acid position is conserved. In addition, this alteration is predicted to be tolerated by in silico analysis. Based on the available evidence, the clinical significance of this variant remains unclear.

NM_004655.4(AXIN2):c.865T>C (p.Tyr289His)

Gene: AXIN2 (axin 2; minus strand). Cytogenetic location: 17q24.1.
Variant type: single nucleotide variant.
Coding change: c.865T>C on transcript NM_004655.4 (MANE Select); coding-DNA position 865, T replaced by C.
Protein change: p.Tyr289His; replaces tyrosine 289 with histidine.
Molecular consequence: missense variant.
Genome position (GRCh38, 1-based): chr17:65,549,611, A>G on the plus strand (T>C on the coding strand, the complement: AXIN2 is on the minus strand). VCF-style: chr17-65549611-A-G. GRCh37 (hg19) VCF-style: chr17-63545729-A-G.
Other names: c.865T>C, p.Tyr289His (NM_001363813.1); short protein forms Y289H.
Identifiers: ClinVar variation 4826945 (VCV004826945.1).